The following is an entry in ClinVar:

NM_001572.5(IRF7):c.1423A>G (p.Ser475Gly)

Gene: IRF7 (interferon regulatory factor 7; minus strand). Cytogenetic location: 11p15.5.
Variant type: single nucleotide variant.
Coding change: c.1423A>G on transcript NM_001572.5 (MANE Select); coding-DNA position 1423, A replaced by G.
Protein change: p.Ser475Gly; replaces serine 475 with glycine.
Molecular consequence: missense variant.
Genome position (GRCh38, 1-based): chr11:612,734, T>C on the plus strand (A>G on the coding strand, the complement: IRF7 is on the minus strand). VCF-style: chr11-612734-T-C. GRCh37 (hg19) VCF-style: chr11-612734-T-C.
Other names: c.1336A>G, p.Ser446Gly (NM_004029.4); c.1462A>G, p.Ser488Gly (NM_004031.4); short protein forms S446G, S488G, S475G.
Identifiers: ClinVar variation 2793377 (VCV002793377.3), dbSNP rs2493882095, ClinGen allele CA378975806.

ClinVar aggregate classification (germline): Uncertain significance (1 of 4 stars; one submission).

Conditions:
Immunodeficiency 39 (IMD39). Identifiers: Orphanet 574918, MedGen C4225358, MONDO:0014597, OMIM 616345.

Allele frequency attached by ClinVar (database versions not stated): gnomAD exomes below 0.00001.

Submission:

Labcorp Genetics (formerly Invitae), Labcorp
Classification: Uncertain significance for Immunodeficiency 39. Last evaluated: 2023-09-17. Review status: criteria provided, single submitter. Criteria: Invitae Variant Classification Sherloc (09022015). Collection method: clinical testing. Allele origin: germline.
Comment: This variant has not been reported in the literature in individuals affected with IRF7-related conditions. This variant is not present in population databases (gnomAD no frequency). This sequence change replaces serine, which is neutral and polar, with glycine, which is neutral and non-polar, at codon 488 of the IRF7 protein (p.Ser488Gly). In summary, the available evidence is currently insufficient to determine the role of this variant in disease. Therefore, it has been classified as a Variant of Uncertain Significance. Algorithms developed to predict the effect of missense changes on protein structure and function output the following: SIFT: "Not Available"; PolyPhen-2: "Benign"; Align-GVGD: "Not Available". The glycine amino acid residue is found in multiple mammalian species, which suggests that this missense change does not adversely affect protein function.